The following is an entry in ClinVar:

NM_145716.4(SSBP3):c.619C>T (p.Arg207Ter)

Gene: SSBP3 (single stranded DNA binding protein 3; minus strand). Cytogenetic location: 1p32.3.
Variant type: single nucleotide variant.
Coding change: c.619C>T on transcript NM_145716.4 (MANE Select); coding-DNA position 619, C replaced by T.
Protein change: p.Arg207Ter; replaces arginine 207 with a stop codon.
Molecular consequence: nonsense.
Genome position (GRCh38, 1-based): chr1:54,251,648, G>A on the plus strand (C>T on the coding strand, the complement: SSBP3 is on the minus strand). VCF-style: chr1-54251648-G-A. GRCh37 (hg19) VCF-style: chr1-54717321-G-A.
Other names: NM_001394367.1:c.208C>T; c.538C>T, p.Arg180Ter (NM_001009955.4, NM_001394360.1, NM_001394363.1); c.499C>T, p.Arg167Ter (NM_001394361.1); c.478C>T, p.Arg160Ter (NM_001394362.1); c.289C>T, p.Arg97Ter (NM_001394364.1); c.208C>T, p.Arg70Ter (NM_001394365.1, NM_001394366.1, NM_001394367.1); c.559C>T, p.Arg187Ter (NM_018070.5); short protein forms R160*, R167*, R180*, R187*, R207*, R70*, R97*.
Identifiers: ClinVar variation 4070932 (VCV004070932.1).
Genomic context (GRCh38, chr1:54,251,648, plus strand): 5'-GACGGACGGACAGACAGGCGGTGGTTACCTGTGGGCCGGGACCCATGGGCCCCATGCCTC[G>A]GGGAGGGTTCATTCTCTGCATTGATCCTCCCATGTTGGGGTGGCCTGCGTGAGAGAGGAG-3'

ClinVar aggregate classification (germline): Uncertain significance (1 of 4 stars; one submission).

Conditions:
Syndromic intellectual disability. Also called: Intellectual disability syndrome. Identifiers: Orphanet 183763, MedGen C5680525, MONDO:0000508.

Submission:

Broad Center for Mendelian Genomics, Broad Institute of MIT and Harvard
Classification: Uncertain significance for Syndromic intellectual disability. Last evaluated: 2025-07-18. Review status: criteria provided, single submitter. Criteria: ACMG Guidelines, 2015. Collection method: curation. Allele origin: germline. Inheritance: Autosomal dominant inheritance. Study: GREGoR Consortium.
Comment: While this gene is still lacking sufficient evidence to establish a gene-disease relationship, we believe this is a possible novel gene candidate for syndromic intellectual disability. Given the limited information about this gene-disease relationship, the significance of the p.Arg207Ter variant is uncertain. If you have any additional information about functional evidence or other individuals with this phenotype that also have variants in SSBP3 we encourage you to reach out to us.